The following is an entry in ClinVar:

ClinVar aggregate classification (germline): Pathogenic (1 of 4 stars; one submission).

Submission:

Labcorp Genetics (formerly Invitae), Labcorp
Classification: Pathogenic. Last evaluated: 2023-11-15. Review status: criteria provided, single submitter. Criteria: Invitae Variant Classification Sherloc (09022015). Collection method: clinical testing. Allele origin: germline.
Comment: This sequence change creates a premature translational stop signal (p.Glu212Lysfs*14) in the POU1F1 gene. While this is not anticipated to result in nonsense mediated decay, it is expected to disrupt the last 80 amino acid(s) of the POU1F1 protein. This variant is not present in population databases (gnomAD no frequency). This variant has not been reported in the literature in individuals affected with POU1F1-related conditions. This variant disrupts a region of the POU1F1 protein in which other variant(s) (p.Arg265Trp) have been determined to be pathogenic (PMID: 22010633, 27541381, 33742319). This suggests that this is a clinically significant region of the protein, and that variants that disrupt it are likely to be disease-causing. For these reasons, this variant has been classified as Pathogenic.

Literature cited by the submitters: PubMed 22010633; PubMed 27541381; PubMed 33742319.

NM_000306.4(POU1F1):c.634_635del (p.Glu212fs)

Gene: POU1F1 (POU class 1 homeobox 1; minus strand). Cytogenetic location: 3p11.2.
Variant type: Deletion.
Coding change: c.634_635del on transcript NM_000306.4 (MANE Select); coding-DNA positions 634 to 635, 2 bases deleted (GA; older notation c.634_635delGA).
Protein change: p.Glu212fs; shifts the reading frame from glutamic acid 212.
Molecular consequence: frameshift variant.
Genome position (GRCh38, 1-based): chr3:87,261,303-87,261,304, TC deleted on the plus strand (GA on the coding strand, the reverse complement: POU1F1 is on the minus strand). VCF-style (leftmost placement, unchanged base first): chr3-87261302-TTC-T. GRCh37 (hg19) VCF-style: chr3-87310452-TTC-T.
Other names: c.712_713del, p.Glu238fs (NM_001122757.3); short protein forms E212fs, E238fs.
Identifiers: ClinVar variation 2696272 (VCV002696272.3), dbSNP rs2471786494, ClinGen allele CA2697556777.